The following is an entry in ClinVar:

NM_001365088.1(SLC12A6):c.174G>C (p.Glu58Asp)

Gene: SLC12A6 (solute carrier family 12 member 6; minus strand). Cytogenetic location: 15q14.
Variant type: single nucleotide variant.
Coding change: c.174G>C on transcript NM_001365088.1 (MANE Select); coding-DNA position 174, G replaced by C.
Protein change: p.Glu58Asp; replaces glutamic acid 58 with aspartic acid.
Molecular consequence: missense variant. On other transcripts: 5 prime UTR variant (2).
Genome position (GRCh38, 1-based): chr15:34,336,507, C>G on the plus strand (G>C on the coding strand, the complement: SLC12A6 is on the minus strand). VCF-style: chr15-34336507-C-G. GRCh37 (hg19) VCF-style: chr15-34628708-C-G.
Other names: c.-4G>C (NM_001042494.2, NM_001042495.2); c.147G>C, p.Glu49Asp (NM_001042496.2); c.174G>C, p.Glu58Asp (NM_001042497.2, NM_133647.2); short protein forms E49D, E58D.
Identifiers: ClinVar variation 3616542 (VCV003616542.2).

ClinVar aggregate classification (germline): Uncertain significance (1 of 4 stars; one submission).

gnomAD v4.1: 6 of 1,613,834 alleles (0.00037%); highest among the groups gnomAD compares: Non-Finnish European, 0.00042%; no homozygotes.

Submission:

Labcorp Genetics (formerly Invitae), Labcorp
Classification: Uncertain significance. Last evaluated: 2024-08-24. Review status: criteria provided, single submitter. Criteria: Invitae Variant Classification Sherloc (09022015). Collection method: clinical testing. Allele origin: germline.
Comment: This sequence change replaces glutamic acid, which is acidic and polar, with aspartic acid, which is acidic and polar, at codon 58 of the SLC12A6 protein (p.Glu58Asp). This variant is not present in population databases (gnomAD no frequency). This variant has not been reported in the literature in individuals affected with SLC12A6-related conditions. Invitae Evidence Modeling of protein sequence and biophysical properties (such as structural, functional, and spatial information, amino acid conservation, physicochemical variation, residue mobility, and thermodynamic stability) indicates that this missense variant is not expected to disrupt SLC12A6 protein function with a negative predictive value of 95%. In summary, the available evidence is currently insufficient to determine the role of this variant in disease. Therefore, it has been classified as a Variant of Uncertain Significance.